The following is an entry in ClinVar:

NM_014014.5(SNRNP200):c.545A>G (p.Tyr182Cys)

Gene: SNRNP200 (small nuclear ribonucleoprotein U5 subunit 200; minus strand). Cytogenetic location: 2q11.2.
Variant type: single nucleotide variant.
Coding change: c.545A>G on transcript NM_014014.5 (MANE Select); coding-DNA position 545, A replaced by G.
Protein change: p.Tyr182Cys; replaces tyrosine 182 with cysteine.
Molecular consequence: missense variant.
Genome position (GRCh38, 1-based): chr2:96,301,553, T>C on the plus strand (A>G on the coding strand, the complement: SNRNP200 is on the minus strand). VCF-style: chr2-96301553-T-C. GRCh37 (hg19) VCF-style: chr2-96967291-T-C.
Other names: short protein forms Y182C.
Identifiers: ClinVar variation 1955525 (VCV001955525.6), dbSNP rs1248553580, ClinGen allele CA347687926.

ClinVar aggregate classification (germline): Uncertain significance. Review status: criteria provided, multiple submitters, no conflicts (2 of 4 stars). 2 submissions from 2 submitters: Uncertain significance (2). Last evaluated 2025-03-24.

Allele frequency attached by ClinVar (database versions not stated): TOPMed below 0.00001; gnomAD 0.00001.
gnomAD v4.1: 25 of 1,614,096 alleles (0.0015%); highest among the groups gnomAD compares: Non-Finnish European, 0.0019%; no homozygotes.

Submissions (2):

Labcorp Genetics (formerly Invitae), Labcorp
Classification: Uncertain significance. Last evaluated: 2025-03-24. Review status: criteria provided, single submitter. Criteria: Invitae Variant Classification Sherloc (09022015). Collection method: clinical testing. Allele origin: germline.
Comment: This sequence change replaces tyrosine, which is neutral and polar, with cysteine, which is neutral and slightly polar, at codon 182 of the SNRNP200 protein (p.Tyr182Cys). This variant is present in population databases (no rsID available, gnomAD 0.007%). This variant has not been reported in the literature in individuals affected with SNRNP200-related conditions. ClinVar contains an entry for this variant (Variation ID: 1955525). Invitae Evidence Modeling of protein sequence and biophysical properties (such as structural, functional, and spatial information, amino acid conservation, physicochemical variation, residue mobility, and thermodynamic stability) has been performed for this missense variant. However, the output from this modeling did not meet the statistical confidence thresholds required to predict the impact of this variant on SNRNP200 protein function. In summary, the available evidence is currently insufficient to determine the role of this variant in disease. Therefore, it has been classified as a Variant of Uncertain Significance.

Blueprint Genetics
Classification: Uncertain significance. Last evaluated: 2022-02-12. Review status: criteria provided, single submitter. Criteria: ACMG Guidelines, 2015. Collection method: clinical testing. Allele origin: germline.